The following is an entry in ClinVar:

ClinVar aggregate classification (germline): Pathogenic (1 of 4 stars; one submission).

Conditions:
Developmental and epileptic encephalopathy, 11 (DEE11). Also called: Early infantile epileptic encephalopathy 11. Identifiers: Orphanet 1934, MedGen C3150987, MONDO:0013388, OMIM 613721.
Seizures, benign familial infantile, 3 (BFIS3). Also called: CONVULSIONS, BENIGN FAMILIAL INFANTILE, 3; Familial neonatal seizures. Identifiers: Orphanet 140927, Orphanet 306, MedGen C1843140, MONDO:0011904, OMIM 607745.

Submission:

Labcorp Genetics (formerly Invitae), Labcorp
Classification: Pathogenic for Seizures, benign familial infantile, 3; Developmental and epileptic encephalopathy, 11. Last evaluated: 2025-02-17. Review status: criteria provided, single submitter. Criteria: Invitae Variant Classification Sherloc (09022015). Collection method: clinical testing. Allele origin: germline.
Comment: This sequence change replaces phenylalanine, which is neutral and non-polar, with leucine, which is neutral and non-polar, at codon 1574 of the SCN2A protein (p.Phe1574Leu). This variant is not present in population databases (gnomAD no frequency). This missense change has been observed in individual(s) with SCN2A-related conditions (internal data). In at least one individual the variant was observed to be de novo. Invitae Evidence Modeling of protein sequence and biophysical properties (such as structural, functional, and spatial information, amino acid conservation, physicochemical variation, residue mobility, and thermodynamic stability) indicates that this missense variant is expected to disrupt SCN2A protein function with a positive predictive value of 95%. For these reasons, this variant has been classified as Pathogenic.

NM_001040142.2(SCN2A):c.4720T>C (p.Phe1574Leu)

Gene: SCN2A (sodium voltage-gated channel alpha subunit 2; plus strand). Cytogenetic location: 2q24.3.
Variant type: single nucleotide variant.
Coding change: c.4720T>C on transcript NM_001040142.2 (MANE Select); coding-DNA position 4720, T replaced by C.
Protein change: p.Phe1574Leu; replaces phenylalanine 1574 with leucine.
Molecular consequence: missense variant.
Genome position (GRCh38, 1-based): chr2:165,386,914, T>C. VCF-style: chr2-165386914-T-C. GRCh37 (hg19) VCF-style: chr2-166243424-T-C.
Other names: c.4720T>C, p.Phe1574Leu (NM_001040143.2, NM_001371246.1, NM_001371247.1 and 1 more transcripts); short protein forms F1574L.
Identifiers: ClinVar variation 3753671 (VCV003753671.2).